The following is an entry in ClinVar:

NM_001243133.2(NLRP3):c.977G>C (p.Gly326Ala)

Gene: NLRP3 (NLR family pyrin domain containing 3; plus strand). Cytogenetic location: 1q44.
Variant type: single nucleotide variant.
Coding change: c.977G>C on transcript NM_001243133.2 (MANE Select); coding-DNA position 977, G replaced by C.
Protein change: p.Gly326Ala; replaces glycine 326 with alanine.
Molecular consequence: missense variant.
Genome position (GRCh38, 1-based): chr1:247,424,426, G>C. VCF-style: chr1-247424426-G-C. GRCh37 (hg19) VCF-style: chr1-247587728-G-C.
Other names: c.977G>C, p.Gly326Ala (NM_001079821.3, NM_001127461.3, NM_001127462.3 and 1 more transcripts); c.983G>C, p.Gly328Ala (NM_004895.5); short protein forms G328A, G326A.
Identifiers: ClinVar variation 2878133 (VCV002878133.3), dbSNP rs180177456, ClinGen allele CA345555836.
Genomic context (GRCh38, chr1:247,424,426, plus strand): 5'-AAGGTGCCTTTGACGAGCACATAGGACCGCTCTGCACTGACTGGCAGAAGGCCGAGCGGG[G>C]AGACATTCTCCTGAGCAGCCTCATCAGAAAGAAGCTGCTTCCCGAGGCCTCTCTGCTCAT-3'
Protein context (NP_001230062.1, residues 316-336): LCTDWQKAER[Gly326Ala]DILLSSLIRK

ClinVar aggregate classification (germline): Uncertain significance (1 of 4 stars; one submission).

Conditions:
Cryopyrin associated periodic syndrome (CAPS). Identifiers: Orphanet 208650, MedGen C2316212, MONDO:0016168.

Submission:

Labcorp Genetics (formerly Invitae), Labcorp
Classification: Uncertain significance for Cryopyrin associated periodic syndrome. Last evaluated: 2023-10-13. Review status: criteria provided, single submitter. Criteria: Invitae Variant Classification Sherloc (09022015). Collection method: clinical testing. Allele origin: germline.
Comment: This sequence change replaces glycine, which is neutral and non-polar, with alanine, which is neutral and non-polar, at codon 328 of the NLRP3 protein (p.Gly328Ala). This variant is not present in population databases (gnomAD no frequency). This variant has not been reported in the literature in individuals affected with NLRP3-related conditions. Advanced modeling of protein sequence and biophysical properties (such as structural, functional, and spatial information, amino acid conservation, physicochemical variation, residue mobility, and thermodynamic stability) has been performed at Invitae for this missense variant, however the output from this modeling did not meet the statistical confidence thresholds required to predict the impact of this variant on NLRP3 protein function. This variant disrupts the p.Gly328 amino acid residue in NLRP3. Other variant(s) that disrupt this residue have been determined to be pathogenic (PMID: 15724022, 24773462, 30338413; Invitae). This suggests that this residue is clinically significant, and that variants that disrupt this residue are likely to be disease-causing. In summary, the available evidence is currently insufficient to determine the role of this variant in disease. Therefore, it has been classified as a Variant of Uncertain Significance.

Literature cited by the submitters: PubMed 15724022; PubMed 24773462; PubMed 30338413.